The following is an entry in ClinVar:

NM_001035.3(RYR2):c.5354A>G (p.Asp1785Gly)

Gene: RYR2 (ryanodine receptor 2; plus strand). Cytogenetic location: 1q43.
Variant type: single nucleotide variant.
Coding change: c.5354A>G on transcript NM_001035.3 (MANE Select); coding-DNA position 5354, A replaced by G.
Protein change: p.Asp1785Gly; replaces aspartic acid 1785 with glycine.
Molecular consequence: missense variant.
Genome position (GRCh38, 1-based): chr1:237,614,482, A>G. VCF-style: chr1-237614482-A-G. GRCh37 (hg19) VCF-style: chr1-237777782-A-G.
Other names: c.5354A>G (NM_001035.2); short protein forms D1785G.
Identifiers: ClinVar variation 2774310 (VCV002774310.4), dbSNP rs2546794471, ClinGen allele CA345404852.
Genomic context (GRCh38, chr1:237,614,482, plus strand): 5'-CCCCCAGTTTTGTAAGCATTAGTAATGAATGTTACCAGTACAGTCCAGAGTTCCCACTGG[A>G]CATCCTCAAGTCCAAAACCATACAGATGCTGACAGAAGCTGTTAAAGAGGGCAGTCTTCA-3'
Protein context (NP_001026.2, residues 1775-1795): CYQYSPEFPL[Asp1785Gly]ILKSKTIQML

ClinVar aggregate classification (germline): Uncertain significance. Review status: criteria provided, multiple submitters, no conflicts (2 of 4 stars). 3 submissions from 3 submitters: Uncertain significance (3). Last evaluated 2026-05-14.

Conditions:
Cardiovascular phenotype. Identifiers: MedGen CN230736.
Catecholaminergic polymorphic ventricular tachycardia (CVPT). Also called: Catecholamine-induced polymorphic ventricular tachycardia. Identifiers: Orphanet 3286, MedGen C5574922, MONDO:0017990.
Cardiomyopathy (CMYO). Also called: Cardiomyopathies. Identifiers: Orphanet 167848, MedGen C0878544, MONDO:0004994, HP:0001638. Inheritance: Various modes of inheritance.

Submissions (3):

Ambry Genetics
Classification: Uncertain significance for Cardiovascular phenotype. Last evaluated: 2026-05-14. Review status: criteria provided, single submitter. Criteria: Ambry Variant Classification Scheme 2023. Collection method: clinical testing. Allele origin: germline.
Comment: The p.D1785G variant (also known as c.5354A>G), located in coding exon 37 of the RYR2 gene, results from an A to G substitution at nucleotide position 5354. The aspartic acid at codon 1785 is replaced by glycine, an amino acid with similar properties. This amino acid position is conserved. In addition, the in silico prediction for this alteration is inconclusive. Based on the available evidence, the clinical significance of this variant remains unclear.

All of Us Research Program, National Institutes of Health
Classification: Uncertain significance for Catecholaminergic polymorphic ventricular tachycardia. Last evaluated: 2023-07-19. Review status: criteria provided, single submitter. Criteria: ACMG Guidelines, 2015. Collection method: clinical testing. Allele origin: germline. Inheritance: Autosomal dominant inheritance. Observed: 1 variant allele, 1 heterozygote.
Comment: This missense variant replaces aspartic acid with glycine at codon 1785 of the RYR2 protein. Computational prediction suggests that this variant may not impact protein structure and function (internally defined REVEL score threshold <= 0.5, PMID: 27666373). To our knowledge, functional studies have not been reported for this variant. This variant has not been reported in individuals affected with RYR2-related disorders in the literature. This variant has not been identified in the general population by the Genome Aggregation Database (gnomAD). The available evidence is insufficient to determine the role of this variant in disease conclusively. Therefore, this variant is classified as a Variant of Uncertain Significance.

This study involves interpretation of variants in research participants for the purpose of population health screening. Participant phenotype was not available at the time of variant classification. Additional details can be found in publication PMID: 35346344, PMCID: PMC8962531

Color Diagnostics, LLC DBA Color Health
Classification: Uncertain significance for Cardiomyopathy. Last evaluated: 2023-05-17. Review status: criteria provided, single submitter. Criteria: ACMG Guidelines, 2015. Collection method: clinical testing. Allele origin: germline.
Comment: This missense variant replaces aspartic acid with glycine at codon 1785 of the RYR2 protein. Computational prediction suggests that this variant may not impact protein structure and function (internally defined REVEL score threshold <= 0.5, PMID: 27666373). To our knowledge, functional studies have not been reported for this variant. This variant has not been reported in individuals affected with RYR2-related disorders in the literature. This variant has not been identified in the general population by the Genome Aggregation Database (gnomAD). The available evidence is insufficient to determine the role of this variant in disease conclusively. Therefore, this variant is classified as a Variant of Uncertain Significance.